The following is an entry in ClinVar:

NM_006939.4(SOS2):c.970-19A>T

Gene: SOS2 (SOS Ras/Rho guanine nucleotide exchange factor 2; minus strand). Cytogenetic location: 14q21.3.
Variant type: single nucleotide variant.
Coding change: c.970-19A>T on transcript NM_006939.4 (MANE Select); 19 bases into the intron before coding-DNA position 970, A replaced by T.
Molecular consequence: intron variant.
Genome position (GRCh38, 1-based): chr14:50,174,571, T>A on the plus strand (A>T on the coding strand, the complement: SOS2 is on the minus strand). VCF-style: chr14-50174571-T-A. GRCh37 (hg19) VCF-style: chr14-50641289-T-A.
Other names: c.969+6001A>T (NM_001411020.1).
Identifiers: ClinVar variation 3769386 (VCV003769386.2).
Genomic context (GRCh38, chr14:50,174,571, plus strand): 5'-AAGGACATAACGAACTGCCTCTTTAAAACCATCAGCAATGGACTGCAAAGCAAAAAGATA[T>A]CACAGTATGTATGTCTCTGACATCAAGGATATGCAACAGCAGTGCCTAACAGAAACGTCT-3'

ClinVar aggregate classification (germline): Likely benign (1 of 4 stars; one submission).

gnomAD v4.1: 3 of 1,476,228 alleles (0.0002%); highest among the groups gnomAD compares: South Asian, 0.0035%; no homozygotes.

Submission:

Women's Health and Genetics/Laboratory Corporation of America, LabCorp
Classification: Likely benign. Last evaluated: 2025-01-27. Review status: criteria provided, single submitter. Criteria: LabCorp Variant Classification Summary - May 2015. Collection method: clinical testing. Allele origin: germline.
Comment: Variant summary: SOS2 c.970-19A>T alters a non-conserved nucleotide located at a position not widely known to affect splicing. Consensus agreement among computation tools predict no significant impact on normal splicing. However, these predictions have yet to be confirmed by functional studies. The variant allele was found at a frequency of 4.1e-06 in 242098 control chromosomes (gnomAD). The available data on variant occurrences in the general population are insufficient to allow any conclusion about variant significance. To our knowledge, no occurrence of c.970-19A>T in individuals affected with Noonan Syndrome and no experimental evidence demonstrating its impact on protein function have been reported. No submitters have cited clinical-significance assessments for this variant to ClinVar. Based on the evidence outlined above, the variant was classified as likely benign.